The following is an entry in ClinVar:

ClinVar aggregate classification (germline): Uncertain significance (1 of 4 stars; one submission).

Submission:

GeneDx
Classification: Uncertain significance. Last evaluated: 2025-02-25. Review status: criteria provided, single submitter. Criteria: GeneDx Variant Classification Process June 2021. Collection method: clinical testing. Allele origin: germline. Affected: yes.
Comment: Not observed at significant frequency in large population cohorts (gnomAD); In silico analysis supports that this missense variant has a deleterious effect on protein structure/function; Has not been previously published as pathogenic or benign to our knowledge; This variant is associated with the following publications: (PMID: 12938084)

NM_000138.5(FBN1):c.8012T>A (p.Leu2671Gln)

Gene: FBN1 (fibrillin 1; minus strand). Cytogenetic location: 15q21.1.
Variant type: single nucleotide variant.
Coding change: c.8012T>A on transcript NM_000138.5 (MANE Select); coding-DNA position 8012, T replaced by A.
Protein change: p.Leu2671Gln; replaces leucine 2671 with glutamine.
Molecular consequence: missense variant.
Genome position (GRCh38, 1-based): chr15:48,415,575, A>T on the plus strand (T>A on the coding strand, the complement: FBN1 is on the minus strand). VCF-style: chr15-48415575-A-T. GRCh37 (hg19) VCF-style: chr15-48707772-A-T.
Other names: c.8012T>A, p.Leu2671Gln (NM_001406716.1); short protein forms L2671Q.
Identifiers: ClinVar variation 4076823 (VCV004076823.1).